The following is an entry in ClinVar:

ClinVar aggregate classification (germline): Uncertain significance. Review status: criteria provided, multiple submitters, no conflicts (2 of 4 stars). 2 submissions from 2 submitters: Uncertain significance (2). Last evaluated 2025-04-07.

Conditions:
Inborn genetic diseases. Identifiers: MedGen C0950123, MeSH D030342.
MGAT2-congenital disorder of glycosylation. Also called: MENTAL RETARDATION, GROWTH RETARDATION, PROMINENT COLUMELLA, AND OPEN MOUTH; Alkuraya syndrome; CDG IIa; MGAT2-CDG; Congenital disorder of glycosylation, type IIa. Identifiers: Orphanet 79329, MedGen C2931008, MONDO:0008908, OMIM 212066.

Allele frequency attached by ClinVar (database versions not stated): ExAC 0.00003; gnomAD 0.00003; TOPMed 0.00003; 1000 Genomes Project 30x 0.00016; 1000 Genomes Project 0.00020.
gnomAD v4.1: 22 of 1,614,236 alleles (0.0014%); highest among the groups gnomAD compares: Admixed American, 0.035%; no homozygotes.

Submissions (2):

Ambry Genetics
Classification: Uncertain significance for Inborn genetic diseases. Last evaluated: 2025-04-07. Review status: criteria provided, single submitter. Criteria: Ambry Variant Classification Scheme 2023. Collection method: clinical testing. Allele origin: germline.

Labcorp Genetics (formerly Invitae), Labcorp
Classification: Uncertain significance for MGAT2-congenital disorder of glycosylation. Last evaluated: 2024-05-15. Review status: criteria provided, single submitter. Criteria: Invitae Variant Classification Sherloc (09022015). Collection method: clinical testing. Allele origin: germline.
Comment: This sequence change replaces tyrosine, which is neutral and polar, with histidine, which is basic and polar, at codon 269 of the MGAT2 protein (p.Tyr269His). This variant is present in population databases (rs181491339, gnomAD 0.04%). This variant has not been reported in the literature in individuals affected with MGAT2-related conditions. ClinVar contains an entry for this variant (Variation ID: 2169135). Advanced modeling of protein sequence and biophysical properties (such as structural, functional, and spatial information, amino acid conservation, physicochemical variation, residue mobility, and thermodynamic stability) performed at Invitae indicates that this missense variant is not expected to disrupt MGAT2 protein function with a negative predictive value of 80%. In summary, the available evidence is currently insufficient to determine the role of this variant in disease. Therefore, it has been classified as a Variant of Uncertain Significance.

NM_002408.4(MGAT2):c.805T>C (p.Tyr269His)

Gene: MGAT2 (alpha-1,6-mannosyl-glycoprotein 2-beta-N-acetylglucosaminyltransferase; plus strand). Cytogenetic location: 14q21.3.
Variant type: single nucleotide variant.
Coding change: c.805T>C on transcript NM_002408.4 (MANE Select); coding-DNA position 805, T replaced by C.
Protein change: p.Tyr269His; replaces tyrosine 269 with histidine.
Molecular consequence: missense variant.
Genome position (GRCh38, 1-based): chr14:49,622,073, T>C. VCF-style: chr14-49622073-T-C. GRCh37 (hg19) VCF-style: chr14-50088791-T-C.
Other names: c.805T>C (NM_002408.3); short protein forms Y269H.
Identifiers: ClinVar variation 2169135 (VCV002169135.5), dbSNP rs181491339, ClinGen allele CA7172603.
Genomic context (GRCh38, chr14:49,622,073, plus strand): 5'-CGAGATTATGCTGGCCTTATACTTTTCCTAGAAGAGGATCACTACTTAGCCCCAGACTTT[T>C]ACCATGTCTTCAAAAAGATGTGGAAACTGAAGCAGCAAGAGTGCCCTGAATGTGATGTTC-3'
Protein context (NP_002399.1, residues 259-279): EEDHYLAPDF[Tyr269His]HVFKKMWKLK